The following is an entry in ClinVar:

NM_000297.4(PKD2):c.892A>G (p.Ser298Gly)

Gene: PKD2 (polycystin 2, transient receptor potential cation channel; plus strand). Cytogenetic location: 4q22.1.
Variant type: single nucleotide variant.
Coding change: c.892A>G on transcript NM_000297.4 (MANE Select); coding-DNA position 892, A replaced by G.
Protein change: p.Ser298Gly; replaces serine 298 with glycine.
Molecular consequence: missense variant. On other transcripts: non-coding transcript variant (1).
Genome position (GRCh38, 1-based): chr4:88,038,299, A>G. VCF-style: chr4-88038299-A-G. GRCh37 (hg19) VCF-style: chr4-88959451-A-G.
Other names: short protein forms S298G.
Identifiers: ClinVar variation 2154021 (VCV002154021.3), dbSNP rs200912883, ClinGen allele CA3003834.

ClinVar aggregate classification (germline): Uncertain significance. Review status: criteria provided, multiple submitters, no conflicts (2 of 4 stars). 2 submissions from 2 submitters: Uncertain significance (2). Last evaluated 2026-01-09.

Conditions:
Polycystic kidney disease 2 (PKD2). Also called: POLYCYSTIC KIDNEY DISEASE, ADULT, TYPE II; POLYCYSTIC KIDNEY DISEASE 2 WITH OR WITHOUT POLYCYSTIC LIVER DISEASE; Polycystic Kidney Disease 2, Autosomal Dominant. Identifiers: MedGen C2751306, MONDO:0013131, OMIM 613095.
Autosomal dominant polycystic kidney disease. Identifiers: Orphanet 730, MedGen C0085413, MONDO:0004691.

Allele frequency attached by ClinVar (database versions not stated): gnomAD 0.00001; 1000 Genomes Project 0.00020; ExAC 0.00002; TOPMed 0.00002; gnomAD exomes 0.00003; 1000 Genomes Project 30x 0.00016.
gnomAD v4.1: 41 of 1,614,046 alleles (0.0025%); highest among the groups gnomAD compares: Non-Finnish European, 0.0035%; no homozygotes.

Submissions (2):

Labcorp Genetics (formerly Invitae), Labcorp
Classification: Uncertain significance for Autosomal dominant polycystic kidney disease. Last evaluated: 2026-01-09. Review status: criteria provided, single submitter. Criteria: Invitae Variant Classification Sherloc (09022015). Collection method: clinical testing. Allele origin: germline.
Comment: This sequence change replaces serine, which is neutral and polar, with glycine, which is neutral and non-polar, at codon 298 of the PKD2 protein (p.Ser298Gly). This variant is present in population databases (rs200912883, gnomAD 0.002%). This variant has not been reported in the literature in individuals affected with PKD2-related conditions. ClinVar contains an entry for this variant (Variation ID: 2154021). Invitae Evidence Modeling of protein sequence and biophysical properties (such as structural, functional, and spatial information, amino acid conservation, physicochemical variation, residue mobility, and thermodynamic stability) indicates that this missense variant is not expected to disrupt PKD2 protein function with a negative predictive value of 80%. In summary, the available evidence is currently insufficient to determine the role of this variant in disease. Therefore, it has been classified as a Variant of Uncertain Significance.

Fulgent Genetics
Classification: Uncertain significance for Polycystic kidney disease 2. Last evaluated: 2024-02-01. Review status: criteria provided, single submitter. Criteria: ACMG Guidelines, 2015. Collection method: clinical testing. Allele origin: germline.